The following is an entry in ClinVar:

ClinVar aggregate classification (germline): Uncertain significance. Review status: criteria provided, multiple submitters, no conflicts (2 of 4 stars). 3 submissions from 3 submitters: Uncertain significance (3). Last evaluated 2025-05-17.

Conditions:
Inborn genetic diseases. Identifiers: MedGen C0950123, MeSH D030342.
Hereditary cancer-predisposing syndrome. Also called: Neoplastic Syndromes, Hereditary; Hereditary neoplastic syndrome; Hereditary Cancer Syndrome; Tumor predisposition. Identifiers: Orphanet 140162, MedGen C0027672, MeSH D009386, MONDO:0015356.
Baller-Gerold syndrome (BGS). Also called: CRANIOSYNOSTOSIS WITH RADIAL DEFECTS. Identifiers: Orphanet 1225, MedGen C0265308, MONDO:0009039, OMIM 218600.

Allele frequency attached by ClinVar (database versions not stated): gnomAD 0.00001; gnomAD exomes 0.00001; TOPMed 0.00001.

Submissions (3):

Ambry Genetics
Classification: Uncertain significance for Inborn genetic diseases. Last evaluated: 2025-05-17. Review status: criteria provided, single submitter. Criteria: Ambry Variant Classification Scheme 2023. Collection method: clinical testing. Allele origin: germline.
Comment: The p.A649G variant (also known as c.1946C>G), located in coding exon 12 of the RECQL4 gene, results from a C to G substitution at nucleotide position 1946. The alanine at codon 649 is replaced by glycine, an amino acid with similar properties. This amino acid position is conserved. In addition, this alteration is predicted to be tolerated by in silico analysis. Based on the available evidence, the clinical significance of this variant remains unclear.

Labcorp Genetics (formerly Invitae), Labcorp
Classification: Uncertain significance for Baller-Gerold syndrome. Last evaluated: 2024-05-13. Review status: criteria provided, single submitter. Criteria: Invitae Variant Classification Sherloc (09022015). Collection method: clinical testing. Allele origin: germline.
Comment: This sequence change replaces alanine, which is neutral and non-polar, with glycine, which is neutral and non-polar, at codon 649 of the RECQL4 protein (p.Ala649Gly). The frequency data for this variant in the population databases is considered unreliable, as metrics indicate poor data quality at this position in the gnomAD database. This variant has not been reported in the literature in individuals affected with RECQL4-related conditions. ClinVar contains an entry for this variant (Variation ID: 659770). Advanced modeling of protein sequence and biophysical properties (such as structural, functional, and spatial information, amino acid conservation, physicochemical variation, residue mobility, and thermodynamic stability) performed at Invitae indicates that this missense variant is expected to disrupt RECQL4 protein function with a positive predictive value of 80%. In summary, the available evidence is currently insufficient to determine the role of this variant in disease. Therefore, it has been classified as a Variant of Uncertain Significance.

Sema4
Classification: Uncertain significance for Hereditary cancer-predisposing syndrome. Last evaluated: 2021-11-06. Review status: criteria provided, single submitter. Criteria: Sema4 Curation Guidelines. Collection method: curation. Allele origin: germline.
Comment: The RECQL4 c.1946C>G (p.A649G) variant has not been reported in the literature to our knowledge. It was observed in 1/18784 chromosomes of the African/African American subpopulation in the large and broad cohorts of the Genome Aggregation Database (PMID: 32461654). The variant has been reported in ClinVar (Variation ID 659770). Functional studies have not been performed, and in silico predictions of the variant's effect on protein function are inconclusive. The evidence is insufficient to meet ACMG/AMP criteria for classifying the variant as benign or pathogenic. Thus, the clinical significance of this variant is currently uncertain.

NM_004260.4(RECQL4):c.1946C>G (p.Ala649Gly)

Gene: RECQL4 (RecQ like helicase 4; minus strand). Cytogenetic location: 8q24.3.
Variant type: single nucleotide variant.
Coding change: c.1946C>G on transcript NM_004260.4 (MANE Select); coding-DNA position 1946, C replaced by G.
Protein change: p.Ala649Gly; replaces alanine 649 with glycine.
Molecular consequence: missense variant.
Genome position (GRCh38, 1-based): chr8:144,514,040, G>C on the plus strand (C>G on the coding strand, the complement: RECQL4 is on the minus strand). VCF-style: chr8-144514040-G-C. GRCh37 (hg19) VCF-style: chr8-145739424-G-C.
Other names: short protein forms A649G.
Identifiers: ClinVar variation 659770 (VCV000659770.6), dbSNP rs1451532258, ClinGen allele CA372680440.
Genomic context (GRCh38, chr8:144,514,040, plus strand): 5'-GGGGCTGGCCCGTGGAGGTCAGGCTCTTCAGCCACAGCCAGGTGCTGTGCCACGTCACTG[G>C]CAGTGCGGCGTGTGGCTGTGGCTGTGAGGCCCAGGAAGCAGTGCACGCCCATGCGCTCCC-3'
Protein context (NP_004251.4, residues 639-659): GLTATATRRT[Ala649Gly]SDVAQHLAVA